The following is an entry in ClinVar:

ClinVar aggregate classification (germline): Likely pathogenic (0 of 4 stars; one submission).

Conditions:
Dent disease type 2. Identifiers: Orphanet 1652, Orphanet 93623, MedGen C1845167, MONDO:0010359, OMIM 300555.

Submission:

Sydney Genome Diagnostics, Children's Hospital Westmead
Classification: Likely pathogenic for Dent disease type 2. Last evaluated: 2018-01-19. Review status: no assertion criteria provided. Collection method: clinical testing. Allele origin: unknown. Affected: yes. Observed: 1 variant allele, 1 hemizygote.
Comment: This frameshifting variant is predicted to create a premature stop codon p.(Pro178Hisfs*7) and may result in a null allele due to nonsense-mediated mRNA decay. The variant has not been reported in any population databases (i.e. ExAC, ESP or dbSNP). To our knowledge, this variant has not been previously reported in the literature or any disease specific databases. However, other truncating variants downstream of this amino acid have been described in ClinVar ([gene]). This variant is considered to be a likely pathogenic according to the ACMG guidelines.

NM_000276.4(OCRL):c.533del (p.Pro178fs)

Gene: OCRL (OCRL inositol polyphosphate-5-phosphatase; plus strand). Cytogenetic location: Xq26.1.
Variant type: Deletion.
Coding change: c.533del on transcript NM_000276.4 (MANE Select); coding-DNA position 533, one base deleted (C; older notation c.533delC).
Protein change: p.Pro178fs; shifts the reading frame from proline 178.
Molecular consequence: frameshift variant.
Genome position (GRCh38, 1-based): chrX:129,558,726, C deleted; the last of 5 consecutive C bases (chrX:129,558,722-129,558,726); deleting any one gives the same sequence. VCF-style (leftmost placement, unchanged base first): chrX-129558721-AC-A. GRCh37 (hg19) VCF-style: chrX-128692698-AC-A.
Other names: c.536del, p.Pro179fs (NM_001318784.2); c.533del, p.Pro178fs (NM_001587.4); short protein forms P178fs, P179fs.
Identifiers: ClinVar variation 988168 (VCV000988168.1), dbSNP rs1602782082, ClinGen allele CA2458098345.